The following is an entry in ClinVar:

ClinVar aggregate classification (germline): Uncertain significance (1 of 4 stars; one submission).

Conditions:
ADCY3-related disorder. Also called: ADCY3-related condition.

gnomAD v4.1: 2 of 1,614,168 alleles (0.00012%); highest among the groups gnomAD compares: Non-Finnish European, 0.000085%; no homozygotes.

Submission:

PreventionGenetics, part of Exact Sciences
Classification: Uncertain significance for ADCY3-related condition. Last evaluated: 2025-05-15. Review status: criteria provided, single submitter. Criteria: ACMG Guidelines, 2015. Collection method: clinical testing. Allele origin: germline.
Comment: The ADCY3 c.2707C>T variant is predicted to result in the amino acid substitution p.Arg903Cys. To our knowledge, this variant has not been reported in the literature or in a large population database (gnomAD), indicating this variant is rare. At this time, the clinical significance of this variant is uncertain due to the absence of conclusive functional and genetic evidence.

NM_004036.5(ADCY3):c.2704C>T (p.Arg902Cys)

Gene: ADCY3 (adenylate cyclase 3; minus strand). Cytogenetic location: 2p23.3.
Variant type: single nucleotide variant.
Coding change: c.2704C>T on transcript NM_004036.5 (MANE Select); coding-DNA position 2704, C replaced by T.
Protein change: p.Arg902Cys; replaces arginine 902 with cysteine.
Molecular consequence: missense variant.
Genome position (GRCh38, 1-based): chr2:24,824,410, G>A on the plus strand (C>T on the coding strand, the complement: ADCY3 is on the minus strand). VCF-style: chr2-24824410-G-A. GRCh37 (hg19) VCF-style: chr2-25047279-G-A.
Other names: c.2707C>T, p.Arg903Cys (NM_001320613.2); c.2770C>T, p.Arg924Cys (NM_001377128.1); c.2566C>T, p.Arg856Cys (NM_001377129.1); c.2299C>T, p.Arg767Cys (NM_001377130.1); c.1981C>T, p.Arg661Cys (NM_001377131.1); c.2704C>T, p.Arg902Cys (NM_001377132.1); short protein forms R661C, R767C, R856C, R902C, R903C, R924C.
Identifiers: ClinVar variation 3357401 (VCV003357401.2).